The following is an entry in ClinVar:

ClinVar aggregate classification (germline): Uncertain significance. Review status: criteria provided, multiple submitters, no conflicts (2 of 4 stars). 2 submissions from 2 submitters: Uncertain significance (2). Last evaluated 2024-12-17.

Conditions:
Combined oxidative phosphorylation defect type 27. Also called: Combined oxidative phosphorylation deficiency 27. Identifiers: Orphanet 477774, MedGen C5567608, MONDO:0014728, OMIM 616672.
Maturity-onset diabetes of the young type 2. Also called: MODY type 2; Diabetes mellitus MODY type 2; MODY glucokinase-related; Diabetes mellitus, type II, autosomal dominant. Identifiers: Orphanet 552, MedGen C0342277, MONDO:0007453, OMIM 125851. Disease mechanism: loss of function.

Submissions (2):

Genomic Medicine Center of Excellence, King Faisal Specialist Hospital and Research Centre
Classification: Uncertain significance for Maturity-onset diabetes of the young type 2. Last evaluated: 2024-12-17. Review status: criteria provided, single submitter. Criteria: ACMG Guidelines, 2015. Collection method: clinical testing. Allele origin: germline.

Labcorp Genetics (formerly Invitae), Labcorp
Classification: Uncertain significance for Combined oxidative phosphorylation defect type 27. Last evaluated: 2021-03-08. Review status: criteria provided, single submitter. Criteria: Invitae Variant Classification Sherloc (09022015). Collection method: clinical testing. Allele origin: germline.
Comment: In summary, the available evidence is currently insufficient to determine the role of this variant in disease. Therefore, it has been classified as a Variant of Uncertain Significance. Algorithms developed to predict the effect of missense changes on protein structure and function (SIFT, PolyPhen-2, Align-GVGD) all suggest that this variant is likely to be disruptive, but these predictions have not been confirmed by published functional studies and their clinical significance is uncertain. This variant has not been reported in the literature in individuals with CARS2-related conditions. This variant is not present in population databases (ExAC no frequency). This sequence change replaces histidine with arginine at codon 282 of the CARS2 protein (p.His282Arg). The histidine residue is highly conserved and there is a small physicochemical difference between histidine and arginine.

NM_024537.4(CARS2):c.845A>G (p.His282Arg)

Gene: CARS2 (cysteinyl-tRNA synthetase 2, mitochondrial; minus strand). Cytogenetic location: 13q34.
Variant type: single nucleotide variant.
Coding change: c.845A>G on transcript NM_024537.4 (MANE Select); coding-DNA position 845, A replaced by G.
Protein change: p.His282Arg; replaces histidine 282 with arginine.
Molecular consequence: missense variant. On other transcripts: non-coding transcript variant (2).
Genome position (GRCh38, 1-based): chr13:110,667,414, T>C on the plus strand (A>G on the coding strand, the complement: CARS2 is on the minus strand). VCF-style: chr13-110667414-T-C. GRCh37 (hg19) VCF-style: chr13-111319761-T-C.
Other names: c.59A>G, p.His20Arg (NM_001352252.2); c.845A>G, p.His282Arg (NM_001352253.3); short protein forms H282R, H20R.
Identifiers: ClinVar variation 1377350 (VCV001377350.9), dbSNP rs2139765647, ClinGen allele CA388750589.